The following is an entry in ClinVar:

ClinVar aggregate classification (germline): Pathogenic (1 of 4 stars; one submission).

Conditions:
Developmental and epileptic encephalopathy, 23 (DEE23). Also called: Epileptic encephalopathy, early infantile, 23. Identifiers: Orphanet 411986, MedGen C4014492, MONDO:0014371, OMIM 615859.

Allele frequency attached by ClinVar (database versions not stated): gnomAD exomes below 0.00001.
gnomAD v4.1: 1 of 1,613,818 alleles (0.000062%); highest among the groups gnomAD compares: Non-Finnish European, 0.000085%; no homozygotes.

Submission:

Labcorp Genetics (formerly Invitae), Labcorp
Classification: Pathogenic for Developmental and epileptic encephalopathy, 23. Last evaluated: 2024-01-12. Review status: criteria provided, single submitter. Criteria: Invitae Variant Classification Sherloc (09022015). Collection method: clinical testing. Allele origin: germline.
Comment: This sequence change creates a premature translational stop signal (p.Arg827*) in the DOCK7 gene. It is expected to result in an absent or disrupted protein product. Loss-of-function variants in DOCK7 are known to be pathogenic (PMID: 24814191). This variant is not present in population databases (gnomAD no frequency). This premature translational stop signal has been observed in individual(s) with clinical features of early infantile epileptic encephalopathy (PMID: 30807358). Algorithms developed to predict the effect of sequence changes on RNA splicing suggest that this variant may disrupt the consensus splice site. For these reasons, this variant has been classified as Pathogenic.

Literature cited by the submitters: PubMed 24814191; PubMed 30807358.

NM_001367561.1(DOCK7):c.2479C>T (p.Arg827Ter)

Gene: DOCK7 (dedicator of cytokinesis 7; minus strand). Cytogenetic location: 1p31.3.
Variant type: single nucleotide variant.
Coding change: c.2479C>T on transcript NM_001367561.1 (MANE Select); coding-DNA position 2479, C replaced by T.
Protein change: p.Arg827Ter; replaces arginine 827 with a stop codon.
Molecular consequence: nonsense.
Genome position (GRCh38, 1-based): chr1:62,555,942, G>A on the plus strand (C>T on the coding strand, the complement: DOCK7 is on the minus strand). VCF-style: chr1-62555942-G-A. GRCh37 (hg19) VCF-style: chr1-63021613-G-A.
Other names: c.2479C>T, p.Arg827Ter (NM_001271999.2, NM_001272000.2, NM_001272001.2 and 2 more transcripts); short protein forms R827*.
Identifiers: ClinVar variation 2883973 (VCV002883973.3), dbSNP rs1275710645, ClinGen allele CA340623603.